The following is an entry in ClinVar:

NM_005612.5(REST):c.2338G>C (p.Glu780Gln)

Gene: REST (RE1 silencing transcription factor; plus strand). Cytogenetic location: 4q12.
Variant type: single nucleotide variant.
Coding change: c.2338G>C on transcript NM_005612.5 (MANE Select); coding-DNA position 2338, G replaced by C.
Protein change: p.Glu780Gln; replaces glutamic acid 780 with glutamine.
Molecular consequence: missense variant.
Genome position (GRCh38, 1-based): chr4:56,931,196, G>C. VCF-style: chr4-56931196-G-C. GRCh37 (hg19) VCF-style: chr4-57797362-G-C.
Other names: c.2338G>C, p.Glu780Gln (NM_001193508.2, NM_001363453.3); short protein forms E780Q.
Identifiers: ClinVar variation 3681949 (VCV003681949.2).
Genomic context (GRCh38, chr4:56,931,196, plus strand): 5'-CCTGTTAAGATAGAGCTGTCTCCTCCCATAGAGGTGGTCCAGAAGGAGCCTGTTCAGATG[G>C]AGTTGTCTCCTCCCATGGGGGTGGTTCAGAAGGAGCCTGCTCAGAGGGAGCCACCTCCTC-3'
Protein context (NP_005603.3, residues 770-790): EVVQKEPVQM[Glu780Gln]LSPPMGVVQK

ClinVar aggregate classification (germline): Uncertain significance (1 of 4 stars; one submission).

Submission:

Labcorp Genetics (formerly Invitae), Labcorp
Classification: Uncertain significance. Last evaluated: 2024-03-06. Review status: criteria provided, single submitter. Criteria: Invitae Variant Classification Sherloc (09022015). Collection method: clinical testing. Allele origin: germline.
Comment: This sequence change replaces glutamic acid, which is acidic and polar, with glutamine, which is neutral and polar, at codon 780 of the REST protein (p.Glu780Gln). This variant is not present in population databases (gnomAD no frequency). This variant has not been reported in the literature in individuals affected with REST-related conditions. An algorithm developed to predict the effect of missense changes on protein structure and function (PolyPhen-2) suggests that this variant is likely to be tolerated. In summary, the available evidence is currently insufficient to determine the role of this variant in disease. Therefore, it has been classified as a Variant of Uncertain Significance.